The following is an entry in ClinVar:

ClinVar aggregate classification (germline): Pathogenic (1 of 4 stars; one submission).

Conditions:
Primary ciliary dyskinesia 27. Also called: CILIARY DYSKINESIA, PRIMARY, 27, WITHOUT SITUS INVERSUS. Identifiers: Orphanet 244, MedGen C3809701, MONDO:0014215, OMIM 615504.

Submission:

Labcorp Genetics (formerly Invitae), Labcorp
Classification: Pathogenic for Primary ciliary dyskinesia 27. Last evaluated: 2022-09-16. Review status: criteria provided, single submitter. Criteria: Invitae Variant Classification Sherloc (09022015). Collection method: clinical testing. Allele origin: germline.
Comment: This sequence change creates a premature translational stop signal (p.Arg157Lysfs*6) in the CCDC65 gene. It is expected to result in an absent or disrupted protein product. Loss-of-function variants in CCDC65 are known to be pathogenic (PMID: 23991085, 24094744). This variant is not present in population databases (gnomAD no frequency). This variant has not been reported in the literature in individuals affected with CCDC65-related conditions. For these reasons, this variant has been classified as Pathogenic.

Literature cited by the submitters: PubMed 23991085; PubMed 24094744.

NM_033124.5(DRC2):c.469dup (p.Arg157fs)

Gene: DRC2 (dynein regulatory complex subunit 2; plus strand). Cytogenetic location: 12q13.12.
Variant type: Duplication.
Coding change: c.469dup on transcript NM_033124.5 (MANE Select); coding-DNA position 469, one base duplicated (A; older notation c.469dupA).
Protein change: p.Arg157fs; shifts the reading frame from arginine 157.
Molecular consequence: frameshift variant.
Genome position (GRCh38, 1-based): chr12:48,914,572, A duplicated; the last of 3 consecutive A bases (chr12:48,914,570-48,914,572); duplicating any one gives the same sequence. VCF-style (leftmost placement, unchanged base first): chr12-48914569-G-GA. GRCh37 (hg19) VCF-style: chr12-49308352-G-GA.
Other names: c.40dup, p.Arg14fs (NM_001286957.2); short protein forms R14fs, R157fs.
Identifiers: ClinVar variation 1905890 (VCV001905890.5), dbSNP rs2498836177, ClinGen allele CA2575143061.
Genomic context (GRCh38, chr12:48,914,569, plus strand): 5'-AGTCTCCTGGAGGAAAGTTACAACATGGAGCTGGAAGCCCTAACCAAGGAGTTTGAGACA[G>GA]AAAGGTATGGGGGCCTAAGAGAAGATGGGGAATTGAATCCAGGGGAGTGCCCAGAGTCCG-3'